The following is an entry in ClinVar:

NM_138370.3(PKDCC):c.1222+5G>A

Gene: PKDCC (protein kinase domain containing, cytoplasmic; plus strand). Cytogenetic location: 2p21.
Variant type: single nucleotide variant.
Coding change: c.1222+5G>A on transcript NM_138370.3 (MANE Select); 5 bases into the intron after coding-DNA position 1222, G replaced by A.
Molecular consequence: intron variant.
Genome position (GRCh38, 1-based): chr2:42,055,398, G>A. VCF-style: chr2-42055398-G-A. GRCh37 (hg19) VCF-style: chr2-42282538-G-A.
Identifiers: ClinVar variation 1482009 (VCV001482009.4), dbSNP rs202171315, ClinGen allele CA1628182.
Genomic context (GRCh38, chr2:42,055,398, plus strand): 5'-GCACCTGTACCGGAGCGGGCAGTATCTGCAGAACTCCACGGCAAGCAGCAGTACCGGTGA[G>A]TGGCCCCAAGCTGATCCACAGGGAAGCAAGAAACAGGTGGGAGGGTGAATGACCCCGCCC-3'

ClinVar aggregate classification (germline): Uncertain significance (1 of 4 stars; one submission).

Allele frequency attached by ClinVar (database versions not stated): gnomAD 0.00043 and 0.00044; ESP Exome Variant Server 0.00046; TOPMed 0.00051; gnomAD exomes 0.00072 and 0.00037; 1000 Genomes Project 0.00020; 1000 Genomes Project 30x 0.00031; ExAC 0.00043.
gnomAD v4.1: 1,108 of 1,612,384 alleles (0.069%); highest among the groups gnomAD compares: Non-Finnish European, 0.086%; 1 homozygote.

Submissions (2):

Labcorp Genetics (formerly Invitae), Labcorp
Classification: Uncertain significance. Last evaluated: 2022-08-22. Review status: criteria provided, single submitter. Criteria: Invitae Variant Classification Sherloc (09022015). Collection method: clinical testing. Allele origin: germline.
Comment: This sequence change falls in intron 5 of the PKDCC gene. It does not directly change the encoded amino acid sequence of the PKDCC protein. It affects a nucleotide within the consensus splice site. This variant is present in population databases (rs202171315, gnomAD 0.08%). This variant has not been reported in the literature in individuals affected with PKDCC-related conditions. ClinVar contains an entry for this variant (Variation ID: 1482009). Variants that disrupt the consensus splice site are a relatively common cause of aberrant splicing (PMID: 17576681, 9536098). Algorithms developed to predict the effect of sequence changes on RNA splicing suggest that this variant may disrupt the consensus splice site. In summary, the available evidence is currently insufficient to determine the role of this variant in disease. Therefore, it has been classified as a Variant of Uncertain Significance.

Dr. Peter K. Rogan Lab, Western University
No classification provided (evidence only). Condition: Malignant tumor of esophagus. Review status: no classification provided. Collection method: in vitro. Allele origin: not applicable. Functional consequence: skipped exon, retained intron. Not counted in ClinVar's aggregate classification.

Literature cited by the submitters: PubMed 17576681 (cited by Labcorp Genetics (formerly Invitae), Labcorp); PubMed 9536098 (cited by Labcorp Genetics (formerly Invitae), Labcorp).